The following is an entry in ClinVar:

NM_004006.3(DMD):c.6923del (p.Ala2308fs)

Gene: DMD (dystrophin; minus strand). Cytogenetic location: Xp21.1.
Variant type: Deletion.
Coding change: c.6923del on transcript NM_004006.3 (MANE Select); coding-DNA position 6923, one base deleted (C; older notation c.6923delC).
Protein change: p.Ala2308fs; shifts the reading frame from alanine 2308.
Molecular consequence: frameshift variant. On other transcripts: 5 prime UTR variant (5).
Genome position (GRCh38, 1-based): chrX:31,875,363, G deleted on the plus strand (C on the coding strand, the reverse complement: DMD is on the minus strand). VCF-style (leftmost placement, unchanged base first): chrX-31875362-AG-A. GRCh37 (hg19) VCF-style: chrX-31893479-AG-A.
Other names: c.6899del, p.Ala2300fs (NM_000109.4); c.6911del, p.Ala2304fs (NM_004009.3); c.6554del, p.Ala2185fs (NM_004010.3); c.2900del, p.Ala967fs (NM_004011.4); c.2891del, p.Ala964fs (NM_004012.4); c.-458del (NM_004013.3, NM_004020.4, NM_004021.3 and 2 more transcripts); short protein forms A2185fs, A2300fs, A2308fs, A964fs, A2304fs, A967fs.
Identifiers: ClinVar variation 2012473 (VCV002012473.4), dbSNP rs2532456946, ClinGen allele CA2580100604.

ClinVar aggregate classification (germline): Pathogenic (1 of 4 stars; one submission).

Conditions:
Duchenne muscular dystrophy (DMD). Also called: MUSCULAR DYSTROPHY, PSEUDOHYPERTROPHIC PROGRESSIVE, DUCHENNE TYPE; Duchenne Muscular Dystrophy (DMD). Identifiers: Orphanet 98896, MedGen C0013264, MONDO:0010679, OMIM 310200.

Submission:

Labcorp Genetics (formerly Invitae), Labcorp
Classification: Pathogenic for Duchenne muscular dystrophy. Last evaluated: 2022-06-30. Review status: criteria provided, single submitter. Criteria: Invitae Variant Classification Sherloc (09022015). Collection method: clinical testing. Allele origin: germline.
Comment: This sequence change creates a premature translational stop signal (p.Ala2308Valfs*13) in the DMD gene. It is expected to result in an absent or disrupted protein product. Loss-of-function variants in DMD are known to be pathogenic (PMID: 16770791, 25007885). For these reasons, this variant has been classified as Pathogenic. This variant has not been reported in the literature in individuals affected with DMD-related conditions. This variant is not present in population databases (gnomAD no frequency).

Literature cited by the submitters: PubMed 16770791; PubMed 25007885.